The following is an entry in ClinVar:

ClinVar aggregate classification (germline): Uncertain significance (1 of 4 stars; one submission).

Submission:

Women's Health and Genetics/Laboratory Corporation of America, LabCorp
Classification: Uncertain significance. Last evaluated: 2026-05-29. Review status: criteria provided, single submitter. Criteria: LabCorp Variant Classification Summary - May 2015. Collection method: clinical testing. Allele origin: germline.
Comment: Variant summary: HECW2 c.2583G>A (p.Arg861Arg) alters a conserved nucleotide located close to a canonical splice site and therefore could affect mRNA splicing, leading to a significantly altered protein sequence. Consensus agreement among computation tools predict no significant impact on normal splicing. However, these predictions have yet to be confirmed by functional studies. The frequency data for this variant in gnomAD is considered unreliable, as metrics indicate poor data quality at this position. To our knowledge, no occurrence of c.2583G>A in individuals affected with HECW2-related conditions and no experimental evidence demonstrating its impact on protein function have been reported. ClinVar contains an entry for this variant (Variation ID: 3336449). Based on the evidence outlined above, the variant was classified as uncertain significance.

NM_001348768.2(HECW2):c.2583G>A (p.Arg861=)

Gene: HECW2 (HECT, C2 and WW domain containing E3 ubiquitin protein ligase 2; minus strand). Cytogenetic location: 2q32.3.
Variant type: single nucleotide variant.
Coding change: c.2583G>A on transcript NM_001348768.2 (MANE Select); coding-DNA position 2583, G replaced by A.
Protein change: p.Arg861=; no amino-acid change (arginine 861 retained).
Molecular consequence: synonymous variant.
Genome position (GRCh38, 1-based): chr2:196,307,937, C>T on the plus strand (G>A on the coding strand, the complement: HECW2 is on the minus strand). VCF-style: chr2-196307937-C-T. GRCh37 (hg19) VCF-style: chr2-197172661-C-T.
Other names: c.1515G>A, p.Arg505= (NM_001304840.3); c.2583G>A, p.Arg861= (NM_020760.4).
Identifiers: ClinVar variation 3336449 (VCV003336449.2).
Genomic context (GRCh38, chr2:196,307,937, plus strand): 5'-AAGTAAAAATTAGCCCAACCACAAAATACAACAGTCACAGCAAAATGTTCATCCTCACCG[C>T]CGGTTCAGCTGCTCCATTTGCTGTATGGAGTTAGATCTCTGCAGCACCTGCGGGGCTGGG-3'
Protein context (NP_001335697.1, residues 851-871): NSIQQMEQLN[Arg861=]RYQSIRRTMT